The following is an entry in ClinVar:

ClinVar aggregate classification (germline): Conflicting classifications of pathogenicity. Review status: criteria provided, conflicting classifications (1 of 4 stars). 2 submissions from 2 submitters: Uncertain significance (1); Likely benign (1). Last evaluated 2026-07-28.

Conditions:
Gorlin syndrome. Also called: Nevoid Basal Cell Carcinoma Syndrome; Basal cell nevus syndrome. Identifiers: Orphanet 377, MedGen C0004779, MONDO:0007187.
Hereditary cancer-predisposing syndrome. Also called: Hereditary Cancer Syndrome; Hereditary neoplastic syndrome; Neoplastic Syndromes, Hereditary; Tumor predisposition. Identifiers: Orphanet 140162, MedGen C0027672, MeSH D009386, MONDO:0015356.

Submissions (2):

Ambry Genetics
Classification: Likely benign for Hereditary cancer-predisposing syndrome. Last evaluated: 2026-07-28. Review status: criteria provided, single submitter. Criteria: Ambry Variant Classification Scheme 2023. Collection method: clinical testing. Allele origin: germline.

Labcorp Genetics (formerly Invitae), Labcorp
Classification: Uncertain significance for Gorlin syndrome. Last evaluated: 2023-10-29. Review status: criteria provided, single submitter. Criteria: Invitae Variant Classification Sherloc (09022015). Collection method: clinical testing. Allele origin: germline.
Comment: This sequence change replaces aspartic acid, which is acidic and polar, with glutamic acid, which is acidic and polar, at codon 180 of the PTCH1 protein (p.Asp180Glu). This variant is not present in population databases (gnomAD no frequency). This variant has not been reported in the literature in individuals affected with PTCH1-related conditions. Advanced modeling of protein sequence and biophysical properties (such as structural, functional, and spatial information, amino acid conservation, physicochemical variation, residue mobility, and thermodynamic stability) performed at Invitae indicates that this missense variant is not expected to disrupt PTCH1 protein function with a negative predictive value of 95%. In summary, the available evidence is currently insufficient to determine the role of this variant in disease. Therefore, it has been classified as a Variant of Uncertain Significance.

NM_000264.5(PTCH1):c.540C>G (p.Asp180Glu)

Gene: PTCH1 (patched 1; minus strand). Cytogenetic location: 9q22.32.
Variant type: single nucleotide variant.
Coding change: c.540C>G on transcript NM_000264.5 (MANE Select); coding-DNA position 540, C replaced by G.
Protein change: p.Asp180Glu; replaces aspartic acid 180 with glutamic acid.
Molecular consequence: missense variant. On other transcripts: non-coding transcript variant (1).
Genome position (GRCh38, 1-based): chr9:95,485,729, G>C on the plus strand (C>G on the coding strand, the complement: PTCH1 is on the minus strand). VCF-style: chr9-95485729-G-C. GRCh37 (hg19) VCF-style: chr9-98248011-G-C.
Other names: c.342C>G, p.Asp114Glu (NM_001083602.3, NM_001354919.2); c.537C>G, p.Asp179Glu (NM_001083603.3); c.87C>G, p.Asp29Glu (NM_001083604.3, NM_001083605.3, NM_001083606.3 and 1 more transcripts); c.540C>G, p.Asp180Glu (NM_001354918.2); short protein forms D179E, D180E, D29E, D114E.
Identifiers: ClinVar variation 2772558 (VCV002772558.5), dbSNP rs2118539724, ClinGen allele CA374116756.